The following is an entry in ClinVar:

ClinVar aggregate classification (germline): Uncertain significance (1 of 4 stars; one submission).

Conditions:
Hereditary cancer-predisposing syndrome. Also called: Neoplastic Syndromes, Hereditary; Tumor predisposition; Hereditary neoplastic syndrome; Hereditary Cancer Syndrome. Identifiers: Orphanet 140162, MedGen C0027672, MeSH D009386, MONDO:0015356.

Submission:

Ambry Genetics
Classification: Uncertain significance for Hereditary cancer-predisposing syndrome. Last evaluated: 2024-02-23. Review status: criteria provided, single submitter. Criteria: Ambry Variant Classification Scheme 2023. Collection method: clinical testing. Allele origin: germline.
Comment: The p.L34V variant (also known as c.100T>G), located in coding exon 1 of the RAD50 gene, results from a T to G substitution at nucleotide position 100. The leucine at codon 34 is replaced by valine, an amino acid with highly similar properties. This amino acid position is conserved. In addition, this alteration is predicted to be tolerated by in silico analysis. Based on the available evidence, the clinical significance of this alteration remains unclear.

NM_005732.4(RAD50):c.100T>G (p.Leu34Val)

Gene: RAD50 (RAD50 double strand break repair protein; plus strand). Cytogenetic location: 5q31.1.
Variant type: single nucleotide variant.
Coding change: c.100T>G on transcript NM_005732.4 (MANE Select); coding-DNA position 100, T replaced by G.
Protein change: p.Leu34Val; replaces leucine 34 with valine.
Molecular consequence: missense variant.
Genome position (GRCh38, 1-based): chr5:132,557,424, T>G. VCF-style: chr5-132557424-T-G. GRCh37 (hg19) VCF-style: chr5-131893116-T-G.
Other names: short protein forms L34V.
Identifiers: ClinVar variation 3224928 (VCV003224928.1), dbSNP rs2479574190, ClinGen allele CA360951643.